The following is an entry in ClinVar:

NM_000255.4(MMUT):c.753+2T>A

Gene: MMUT (methylmalonyl-CoA mutase; minus strand). Cytogenetic location: 6p12.3.
Variant type: single nucleotide variant.
Coding change: c.753+2T>A on transcript NM_000255.4 (MANE Select); the canonical splice donor site of the intron after coding-DNA position 753, T replaced by A.
Molecular consequence: splice donor variant.
Genome position (GRCh38, 1-based): chr6:49,457,689, A>T on the plus strand (T>A on the coding strand, the complement: MMUT is on the minus strand). VCF-style: chr6-49457689-A-T. GRCh37 (hg19) VCF-style: chr6-49425402-A-T.
Identifiers: ClinVar variation 203856 (VCV000203856.18), dbSNP rs796052006, ClinGen allele CA312780.

ClinVar aggregate classification (germline): Pathogenic. Review status: criteria provided, multiple submitters, no conflicts (2 of 4 stars). 7 submissions from 7 submitters: Pathogenic (6). 1 of the submissions does not count toward it. Last evaluated 2026-01-22.

Conditions:
Methylmalonic aciduria due to complete methylmalonyl-CoA mutase deficiency.
Methylmalonic acidemia (MMA). Also called: Isolated Methylmalonic Acidemia. Identifiers: MedGen C0268583, MeSH C537358, MONDO:0002012, HP:0002912.
Methylmalonic aciduria due to methylmalonyl-CoA mutase deficiency (MAMM). Also called: Methylmalonic aciduria, mut type. Identifiers: Orphanet 27, MedGen C1855114, MONDO:0009612, OMIM 251000.

Allele frequency attached by ClinVar (database versions not stated): gnomAD exomes below 0.00001 and 0.00001.
gnomAD v4.1: 8 of 1,608,426 alleles (0.0005%); highest among the groups gnomAD compares: Non-Finnish European, 0.00068%; no homozygotes.

Submissions (8):

Labcorp Genetics (formerly Invitae), Labcorp
Classification: Pathogenic. Last evaluated: 2026-01-22. Review status: criteria provided, single submitter. Criteria: Invitae Variant Classification Sherloc (09022015). Collection method: clinical testing. Allele origin: germline.
Comment: This sequence change affects a donor splice site in intron 3 of the MUT gene. It is expected to disrupt RNA splicing. Variants that disrupt the donor or acceptor splice site typically lead to a loss of protein function (PMID: 16199547), and loss-of-function variants in MUT are known to be pathogenic (PMID: 15781192). This variant is present in population databases (rs796052006, gnomAD 0.0009%). Disruption of this splice site has been observed in individuals with methylmalonic acidemia (PMID: 16281286). ClinVar contains an entry for this variant (Variation ID: 203856). Algorithms developed to predict the effect of sequence changes on RNA splicing suggest that this variant may disrupt the consensus splice site. For these reasons, this variant has been classified as Pathogenic.

Natera, Inc.
Classification: Pathogenic for Methylmalonic aciduria due to complete methylmalonyl-CoA mutase deficiency. Last evaluated: 2024-08-30. Review status: criteria provided, single submitter. Criteria: Natera Variant Classification Schema (03/2026). Collection method: clinical testing. Allele origin: germline.
Comment: The c.753+2T>A variant in MMUT is a canonical splice donor site variant predicted to affect pre-mRNA splicing, which may result in an abnormal transcript and altered protein product. This variant is expected to result in nonsense mediated decay, truncation, or a dysfunctional protein product. This variant is rare in the general population with a frequency below the threshold expected for the associated phenotype(s). This variant has been observed in one or more individuals affected with the associated recessive disease, as either homozygous or compound heterozygous with a second variant (PMID: 21048060, 27167370). Given the available evidence, this variant is classified as Pathogenic.

Revvity Omics, Revvity
Classification: Pathogenic for Methylmalonic aciduria due to methylmalonyl-CoA mutase deficiency. Last evaluated: 2022-06-15. Review status: criteria provided, single submitter. Criteria: ACMG Guidelines, 2015. Collection method: clinical testing. Allele origin: germline.

Fulgent Genetics
Classification: Pathogenic for Methylmalonic aciduria due to methylmalonyl-CoA mutase deficiency. Last evaluated: 2022-04-12. Review status: criteria provided, single submitter. Criteria: ACMG Guidelines, 2015. Collection method: clinical testing. Allele origin: unknown.

Laboratory for Molecular Medicine, Mass General Brigham Personalized Medicine
Classification: Pathogenic for Methylmalonic acidemia. Last evaluated: 2020-06-05. Review status: criteria provided, single submitter. Criteria: LMM Criteria. Collection method: clinical testing. Allele origin: germline. Inheritance: Autosomal recessive inheritance. Observed: 1 variant allele.
Comment: proposed classification - variant undergoing re-assessment, contact laboratory

Women's Health and Genetics/Laboratory Corporation of America, LabCorp
Classification: Pathogenic for Methylmalonic acidemia. Last evaluated: 2018-03-11. Review status: criteria provided, single submitter. Criteria: LabCorp Variant Classification Summary - May 2015. Collection method: clinical testing. Allele origin: germline.
Comment: Variant summary: MUT c.753+2T>A is located in a canonical splice-site and is predicted to affect mRNA splicing resulting in a significantly altered protein due to either exon skipping, shortening, or inclusion of intronic material. Several computational tools predict a significant impact on normal splicing: Five predict the variant abolishes a 5 splicing donor site. However, these predictions have yet to be confirmed by functional studies. c.753+2T>A has been reported in the literature in multiple individuals affected with Methylmalonic Acidemia. These data indicate that the variant is very likely to be associated with disease. At least one publication reports experimental evidence evaluating an impact on protein function in a patient with a compound heterozygote genotype of 753+2T>A/2206C>T. The most pronounced variant effect results in a Methylmalonyl-CoA mutase activity with (+AdoCbl, 50 M) and without AdoCbl (-AdoCbl) in crude homogenates of patient fibroblasts of -AdoCbl: 50 (control: 1058 +/- 381) and +AdoCbl: 199 (control: 2569 +/- 782) respectively. No clinical diagnostic laboratories have submitted clinical-significance assessments for this variant to ClinVar after 2014. Based on the evidence outlined above, the variant was classified as pathogenic.

Counsyl
Classification: Pathogenic for Methylmalonic aciduria due to methylmalonyl-CoA mutase deficiency. Last evaluated: 2018-01-18. Review status: no assertion criteria provided. Collection method: clinical testing. Allele origin: unknown. Not counted in ClinVar's aggregate classification.

Dr. Peter K. Rogan Lab, Western University
No classification provided (evidence only). Condition: Familial cancer of breast. Review status: no classification provided. Collection method: in vitro. Allele origin: not applicable. Functional consequence: retained intron. Not counted in ClinVar's aggregate classification.

Literature cited by the submitters: PubMed 16199547 (cited by Labcorp Genetics (formerly Invitae), Labcorp); PubMed 15781192 (cited by Labcorp Genetics (formerly Invitae), Labcorp); PubMed 16281286 (cited by 4 submitters); PubMed 21048060 (cited by Natera, Inc. and Women's Health and Genetics/Laboratory Corporation of America, LabCorp); PubMed 27167370 (cited by Natera, Inc.); PubMed 25959030 (cited by Laboratory for Molecular Medicine, Mass General Brigham Personalized Medicine).